The following is an entry in ClinVar:

NM_002693.3(POLG):c.650C>T (p.Pro217Leu)

Genes: POLG (DNA polymerase gamma, catalytic subunit; minus strand), POLGARF (POLG alternative reading frame; minus strand). Cytogenetic location: 15q26.1.
Variant type: single nucleotide variant.
Coding change: c.650C>T on transcript NM_002693.3 (MANE Select); coding-DNA position 650, C replaced by T.
Protein change: p.Pro217Leu; replaces proline 217 with leucine.
Molecular consequence: missense variant. On other transcripts: synonymous variant (1).
Genome position (GRCh38, 1-based): chr15:89,333,105, G>A on the plus strand (C>T on the coding strand, the complement: POLG is on the minus strand). VCF-style: chr15-89333105-G-A. GRCh37 (hg19) VCF-style: chr15-89876336-G-A.
Other names: c.705C>T, p.Pro235= (NM_001430120.1); c.650C>T, p.Pro217Leu (NM_001126131.2); short protein forms P217L.
Identifiers: ClinVar variation 3715836 (VCV003715836.2).

ClinVar aggregate classification (germline): Uncertain significance (1 of 4 stars; one submission).

Conditions:
Progressive sclerosing poliodystrophy (MTDPS4A). Also called: ALPERS PROGRESSIVE INFANTILE POLIODYSTROPHY; NEURONAL DEGENERATION OF CHILDHOOD WITH LIVER DISEASE, PROGRESSIVE; Alpers Syndrome; ALPERS DIFFUSE DEGENERATION OF CEREBRAL GRAY MATTER WITH HEPATIC CIRRHOSIS; Alpers-Huttenlocher Syndrome; Mitochondrial DNA depletion syndrome 4A (Alpers type). Identifiers: Orphanet 726, MedGen C0205710, MONDO:0008758, OMIM 203700.

gnomAD v4.1: 2 of 1,516,724 alleles (0.00013%); highest among the groups gnomAD compares: Non-Finnish European, 0.00018%; no homozygotes.

Submission:

Labcorp Genetics (formerly Invitae), Labcorp
Classification: Uncertain significance for Progressive sclerosing poliodystrophy. Last evaluated: 2024-04-22. Review status: criteria provided, single submitter. Criteria: Invitae Variant Classification Sherloc (09022015). Collection method: clinical testing. Allele origin: germline.
Comment: This sequence change replaces proline, which is neutral and non-polar, with leucine, which is neutral and non-polar, at codon 217 of the POLG protein (p.Pro217Leu). This variant is not present in population databases (gnomAD no frequency). This variant has not been reported in the literature in individuals affected with POLG-related conditions. Advanced modeling of protein sequence and biophysical properties (such as structural, functional, and spatial information, amino acid conservation, physicochemical variation, residue mobility, and thermodynamic stability) performed at Invitae indicates that this missense variant is expected to disrupt POLG protein function with a positive predictive value of 95%. In summary, the available evidence is currently insufficient to determine the role of this variant in disease. Therefore, it has been classified as a Variant of Uncertain Significance.